The following is an entry in ClinVar:

ClinVar aggregate classification (germline): Uncertain significance (1 of 4 stars; one submission).

Submission:

GeneDx
Classification: Uncertain significance. Last evaluated: 2024-10-29. Review status: criteria provided, single submitter. Criteria: GeneDx Variant Classification Process June 2021. Collection method: clinical testing. Allele origin: germline. Affected: yes.
Comment: Not observed at significant frequency in large population cohorts (gnomAD); In silico analysis indicates that this missense variant does not alter protein structure/function; Has not been previously published as pathogenic or benign to our knowledge

NM_018489.3(ASH1L):c.7001C>A (p.Thr2334Asn)

Gene: ASH1L (ASH1 like histone lysine methyltransferase; minus strand). Cytogenetic location: 1q22.
Variant type: single nucleotide variant.
Coding change: c.7001C>A on transcript NM_018489.3 (MANE Select); coding-DNA position 7001, C replaced by A.
Protein change: p.Thr2334Asn; replaces threonine 2334 with asparagine.
Molecular consequence: missense variant.
Genome position (GRCh38, 1-based): chr1:155,357,370, G>T on the plus strand (C>A on the coding strand, the complement: ASH1L is on the minus strand). VCF-style: chr1-155357370-G-T. GRCh37 (hg19) VCF-style: chr1-155327161-G-T.
Other names: c.7016C>A, p.Thr2339Asn (NM_001366177.2); short protein forms T2334N, T2339N.
Identifiers: ClinVar variation 3897475 (VCV003897475.1).